The following is an entry in ClinVar:

ClinVar aggregate classification (germline): Likely pathogenic. Review status: criteria provided, multiple submitters, no conflicts (2 of 4 stars). 5 submissions from 5 submitters: Likely pathogenic (3). 2 of the submissions do not count toward it. Last evaluated 2025-10-31.

Conditions:
Phenylketonuria (PKU). Also called: Phenylketonuria (PKU); FOLLING DISEASE; OLIGOPHRENIA PHENYLPYRUVICA; Phenylketonurias. Identifiers: Orphanet 716, MedGen C0031485, MONDO:0009861, OMIM 261600. Disease mechanism: loss of function.

Allele frequency attached by ClinVar (database versions not stated): gnomAD exomes below 0.00001; TOPMed 0.00001.
gnomAD v4.1: 3 of 1,614,208 alleles (0.00019%); highest among the groups gnomAD compares: South Asian, 0.0011%; no homozygotes.

Submissions (5):

Labcorp Genetics (formerly Invitae), Labcorp
Classification: Likely pathogenic for Phenylketonuria. Last evaluated: 2025-10-31. Review status: criteria provided, single submitter. Criteria: Invitae Variant Classification Sherloc (09022015). Collection method: clinical testing. Allele origin: germline.
Comment: This sequence change replaces cysteine, which is neutral and slightly polar, with arginine, which is basic and polar, at codon 217 of the PAH protein (p.Cys217Arg). This variant is not present in population databases (gnomAD no frequency). This missense change has been observed in individual(s) with clinical features of hyperphenylalaninemia (PMID: 18798839, 29499199, 32668217). ClinVar contains an entry for this variant (Variation ID: 102770). Invitae Evidence Modeling of protein sequence and biophysical properties (such as structural, functional, and spatial information, amino acid conservation, physicochemical variation, residue mobility, and thermodynamic stability) has been performed for this missense variant. However, the output from this modeling did not meet the statistical confidence thresholds required to predict the impact of this variant on PAH protein function. This variant disrupts the p.Cys217 amino acid residue in PAH. Other variant(s) that disrupt this residue have been determined to be pathogenic (PMID: 8807319, 32668217). This suggests that this residue is clinically significant, and that variants that disrupt this residue are likely to be disease-causing. In summary, the currently available evidence indicates that the variant is pathogenic, but additional data are needed to prove that conclusively. Therefore, this variant has been classified as Likely Pathogenic.

Natera, Inc.
Classification: Likely pathogenic for Phenylketonuria. Last evaluated: 2025-05-19. Review status: criteria provided, single submitter. Criteria: Natera Variant Classification Schema (03/2026). Collection method: clinical testing. Allele origin: germline.
Comment: The c.649T>C variant in PAH is a missense variant predicted to cause substitution of cysteine to arginine at amino acid 217. This variant is rare in the general population with a frequency below the threshold expected for the associated phenotype(s). This variant has been observed in one or more individuals affected with the associated recessive disease, as either homozygous or compound heterozygous with a second variant (PMID: 36849017). A different variant at the same position has been determined to be Pathogenic or Likely Pathogenic. Computational prediction algorithms indicate this variant is likely to affect gene or protein function. Given the available evidence, this variant is classified as Likely Pathogenic.

Baylor Genetics
Classification: Likely pathogenic for Phenylketonuria. Last evaluated: 2023-12-24. Review status: criteria provided, single submitter. Criteria: ACMG Guidelines, 2015. Collection method: clinical testing. Allele origin: unknown.

Counsyl
Classification: Uncertain significance for Phenylketonuria. Last evaluated: 2016-12-27. Review status: no assertion criteria provided. Collection method: clinical testing. Allele origin: unknown. Not counted in ClinVar's aggregate classification.

DeBelle Laboratory for Biochemical Genetics, MUHC/MCH RESEARCH INSTITUTE
No classification provided. Review status: no classification provided. Collection method: not provided. Allele origin: not provided. Not counted in ClinVar's aggregate classification.

Literature cited by the submitters: PubMed 18798839 (cited by Labcorp Genetics (formerly Invitae), Labcorp and Counsyl); PubMed 29499199 (cited by Labcorp Genetics (formerly Invitae), Labcorp); PubMed 32668217 (cited by Labcorp Genetics (formerly Invitae), Labcorp); PubMed 8807319 (cited by Labcorp Genetics (formerly Invitae), Labcorp); PubMed 36849017 (cited by Natera, Inc.).

NM_000277.3(PAH):c.649T>C (p.Cys217Arg)

Gene: PAH (phenylalanine hydroxylase; minus strand). Cytogenetic location: 12q23.2.
Variant type: single nucleotide variant.
Coding change: c.649T>C on transcript NM_000277.3 (MANE Select); coding-DNA position 649, T replaced by C.
Protein change: p.Cys217Arg; replaces cysteine 217 with arginine.
Molecular consequence: missense variant.
Genome position (GRCh38, 1-based): chr12:102,855,193, A>G on the plus strand (T>C on the coding strand, the complement: PAH is on the minus strand). VCF-style: chr12-102855193-A-G. GRCh37 (hg19) VCF-style: chr12-103248971-A-G.
Other names: c.649T>C (NM_000277.2); c.649T>C, p.Cys217Arg (NM_001354304.2); short protein forms C217R.
Identifiers: ClinVar variation 102770 (VCV000102770.9), dbSNP rs62508718, ClinGen allele CA229671.